The following is an entry in ClinVar:

NM_201384.3(PLEC):c.328C>T (p.Leu110Phe)

Gene: PLEC (plectin; minus strand). Cytogenetic location: 8q24.3.
Variant type: single nucleotide variant.
Coding change: c.328C>T on transcript NM_201384.3 (MANE Select); coding-DNA position 328, C replaced by T.
Protein change: p.Leu110Phe; replaces leucine 110 with phenylalanine.
Molecular consequence: missense variant.
Genome position (GRCh38, 1-based): chr8:143,937,179, G>A on the plus strand (C>T on the coding strand, the complement: PLEC is on the minus strand). VCF-style: chr8-143937179-G-A. GRCh37 (hg19) VCF-style: chr8-145011347-G-A.
Other names: c.739C>T, p.Leu247Phe (NM_201380.4); c.232C>T, p.Leu78Phe (NM_201381.3); c.328C>T, p.Leu110Phe (NM_201382.4); c.340C>T, p.Leu114Phe (NM_201383.3); c.409C>T, p.Leu137Phe (NM_000445.5, NM_001410941.1); c.286C>T, p.Leu96Phe (NM_201378.4); c.262C>T, p.Leu88Phe (NM_201379.3); short protein forms L110F, L114F, L137F, L247F, L78F, L88F, L96F.
Identifiers: ClinVar variation 3757377 (VCV003757377.2).
Genomic context (GRCh38, chr8:143,937,179, plus strand): 5'-TGGTGAGGGGTCTGGGTGGGGCCCAGGGCCTGCCGGGCAGCCTTACCTGGCGGTGCCGGA[G>A]GTAGTCCAGGGCAATCTGGACATTCTGCAGCTTGTGGAAACGCATCCTCCCCTTCTCCCG-3'
Protein context (NP_958786.1, residues 100-120): LQNVQIALDY[Leu110Phe]RHRQVKLVNI

ClinVar aggregate classification (germline): Uncertain significance (1 of 4 stars; one submission).

Conditions:
Epidermolysis bullosa simplex with nail dystrophy (EBS5D). Identifiers: MedGen C4225309, MONDO:0014661, OMIM 616487.
Epidermolysis bullosa simplex, Ogna type (EBS5A). Also called: Pidermolysis bullosa simplex 5A, Ogna type; EPIDERMOLYSIS BULLOSA SIMPLEX 5A, OGNA TYPE. Identifiers: Orphanet 79401, MedGen C0432317, MONDO:0007555, OMIM 131950.
Autosomal recessive limb-girdle muscular dystrophy type 2Q (LGMDR17). Also called: MUSCULAR DYSTROPHY, LIMB-GIRDLE, AUTOSOMAL RECESSIVE 17. Identifiers: Orphanet 254361, MedGen C3150989, MONDO:0013390, OMIM 613723.
Epidermolysis bullosa simplex 5B, with muscular dystrophy (EBS5B). Also called: EPIDERMOLYSIS BULLOSA SIMPLEX AND LIMB-GIRDLE MUSCULAR DYSTROPHY; Epidermolysis bullosa simplex with muscular dystrophy. Identifiers: Orphanet 257, MedGen C2931072, MONDO:0009181, OMIM 226670.
Epidermolysis bullosa simplex 5C, with pyloric atresia (EBS5C). Also called: PLEC-Related Epidermolysis Bullosa with Pyloric Atresia; Epidermolysis bullosa simplex with pyloric atresia; PLEC1-Related Epidermolysis Bullosa with Pyloric Atresia. Identifiers: Orphanet 158684, MedGen C2677349, MONDO:0012807, OMIM 612138.

Submission:

Labcorp Genetics (formerly Invitae), Labcorp
Classification: Uncertain significance for Autosomal recessive limb-girdle muscular dystrophy type 2Q; Epidermolysis bullosa simplex, Ogna type; Epidermolysis bullosa simplex with nail dystrophy; Epidermolysis bullosa simplex 5C, with pyloric atresia; Epidermolysis bullosa simplex 5B, with muscular dystrophy. Last evaluated: 2024-12-12. Review status: criteria provided, single submitter. Criteria: Invitae Variant Classification Sherloc (09022015). Collection method: clinical testing. Allele origin: germline.
Comment: This sequence change replaces leucine, which is neutral and non-polar, with phenylalanine, which is neutral and non-polar, at codon 137 of the PLEC protein (p.Leu137Phe). This variant is not present in population databases (gnomAD no frequency). This variant has not been reported in the literature in individuals affected with PLEC-related conditions. Invitae Evidence Modeling of protein sequence and biophysical properties (such as structural, functional, and spatial information, amino acid conservation, physicochemical variation, residue mobility, and thermodynamic stability) indicates that this missense variant is not expected to disrupt PLEC protein function with a negative predictive value of 80%. In summary, the available evidence is currently insufficient to determine the role of this variant in disease. Therefore, it has been classified as a Variant of Uncertain Significance.